The following is an entry in ClinVar:

ClinVar aggregate classification (germline): Pathogenic (1 of 4 stars; one submission).

Conditions:
Autosomal recessive Alport syndrome (ATS2). Also called: COL4A4 Alport Syndrome and Thin Basement Membrane Nephropathy; Alport syndrome type 2; ALPORT SYNDROME 2, AUTOSOMAL RECESSIVE; COL4A3-Related Nephropathy. Identifiers: Orphanet 63, Orphanet 88919, MedGen C4746745, MONDO:0008762, OMIM 203780.

Submission:

3billion
Classification: Pathogenic for Autosomal recessive Alport syndrome. Last evaluated: 2023-02-23. Review status: criteria provided, single submitter. Criteria: ACMG Guidelines, 2015. Collection method: clinical testing. Allele origin: unknown. Affected: yes.
Comment: The variant is not observed in the gnomAD v2.1.1 dataset. This variant was predicted to result in a loss or disruption of normal protein function through nonsense-mediated decay (NMD) or protein truncation. Multiple pathogenic variants are reported downstream of the variant. Therefore, this variant is classified as Pathogenic according to the recommendation of ACMG/AMP guideline.

NM_000091.5(COL4A3):c.4812C>A (p.Cys1604Ter)

Genes: COL4A3 (collagen type IV alpha 3 chain; plus strand), MFF-DT (MFF divergent transcript; minus strand). Cytogenetic location: 2q36.3.
Variant type: single nucleotide variant.
Coding change: c.4812C>A on transcript NM_000091.5 (MANE Select); coding-DNA position 4812, C replaced by A.
Protein change: p.Cys1604Ter; replaces cysteine 1604 with a stop codon.
Molecular consequence: nonsense.
Genome position (GRCh38, 1-based): chr2:227,310,832, C>A. VCF-style: chr2-227310832-C-A. GRCh37 (hg19) VCF-style: chr2-228175548-C-A.
Other names: short protein forms C1604*.
Identifiers: ClinVar variation 2444275 (VCV002444275.1), dbSNP rs1064796314, ClinGen allele CA350866105.
Genomic context (GRCh38, chr2:227,310,832, plus strand): 5'-GTAGTTCACAAGTGCAGGTTCTGAGGGCACCGGGCAAGCACTGGCCTCCCCTGGCTCCTG[C>A]CTGGAAGAATTCCGAGCCAGCCCATTTCTAGAATGTCATGGAAGAGGAACGTGCAACTAC-3'